The following is an entry in ClinVar:

ClinVar aggregate classification (germline): Uncertain significance. Review status: criteria provided, multiple submitters, no conflicts (2 of 4 stars). 3 submissions from 3 submitters: Uncertain significance (3). Last evaluated 2025-04-21.

Conditions:
Inborn genetic diseases. Identifiers: MedGen C0950123, MeSH D030342.
Hereditary spastic paraplegia 50 (SPG50). Also called: Spastic paraplegia 50, autosomal recessive. Identifiers: Orphanet 280763, MedGen C2752008, MONDO:0013048, OMIM 612936.

Allele frequency attached by ClinVar (database versions not stated): gnomAD exomes 0.00006 and 0.00010; gnomAD 0.00007 and 0.00011; TOPMed 0.00008; ExAC 0.00014; ESP Exome Variant Server 0.00015; 1000 Genomes Project 30x 0.00031; 1000 Genomes Project 0.00040.
gnomAD v4.1: 101 of 1,613,196 alleles (0.0063%); highest among the groups gnomAD compares: South Asian, 0.067%; no homozygotes.

Submissions (3):

Labcorp Genetics (formerly Invitae), Labcorp
Classification: Uncertain significance for Hereditary spastic paraplegia 50. Last evaluated: 2025-04-21. Review status: criteria provided, single submitter. Criteria: Invitae Variant Classification Sherloc (09022015). Collection method: clinical testing. Allele origin: germline.
Comment: This sequence change replaces arginine, which is basic and polar, with cysteine, which is neutral and slightly polar, at codon 172 of the AP4M1 protein (p.Arg172Cys). This variant is present in population databases (rs141174349, gnomAD 0.07%). This variant has not been reported in the literature in individuals affected with AP4M1-related conditions. ClinVar contains an entry for this variant (Variation ID: 1525616). Invitae Evidence Modeling of protein sequence and biophysical properties (such as structural, functional, and spatial information, amino acid conservation, physicochemical variation, residue mobility, and thermodynamic stability) has been performed for this missense variant. However, the output from this modeling did not meet the statistical confidence thresholds required to predict the impact of this variant on AP4M1 protein function. In summary, the available evidence is currently insufficient to determine the role of this variant in disease. Therefore, it has been classified as a Variant of Uncertain Significance.

Ambry Genetics
Classification: Uncertain significance for Inborn genetic diseases. Last evaluated: 2024-05-09. Review status: criteria provided, single submitter. Criteria: Ambry Variant Classification Scheme 2023. Collection method: clinical testing. Allele origin: germline.

Breakthrough Genomics
Classification: Uncertain significance. Review status: criteria provided, single submitter. Criteria: ACMG Guidelines, 2015. Collection method: not provided. Allele origin: germline. Inheritance: Autosomal recessive inheritance. Affected: yes.

NM_004722.4(AP4M1):c.514C>T (p.Arg172Cys)

Gene: AP4M1 (adaptor related protein complex 4 subunit mu 1; plus strand). Cytogenetic location: 7q22.1.
Variant type: single nucleotide variant.
Coding change: c.514C>T on transcript NM_004722.4 (MANE Select); coding-DNA position 514, C replaced by T.
Protein change: p.Arg172Cys; replaces arginine 172 with cysteine.
Molecular consequence: missense variant.
Genome position (GRCh38, 1-based): chr7:100,103,663, C>T. VCF-style: chr7-100103663-C-T. GRCh37 (hg19) VCF-style: chr7-99701286-C-T.
Other names: c.535C>T, p.Arg179Cys (NM_001363671.2); c.514C>T (NM_004722.3); short protein forms R172C, R179C.
Identifiers: ClinVar variation 1525616 (VCV001525616.8), dbSNP rs141174349, ClinGen allele CA4374643.